The following is an entry in ClinVar:

ClinVar aggregate classification (germline): Uncertain significance (1 of 4 stars; one submission).

Submission:

GeneDx
Classification: Uncertain significance. Last evaluated: 2023-05-24. Review status: criteria provided, single submitter. Criteria: GeneDx Variant Classification Process June 2021. Collection method: clinical testing. Allele origin: germline. Affected: yes.
Comment: Not observed at significant frequency in large population cohorts (gnomAD); In silico analysis supports that this missense variant has a deleterious effect on protein structure/function; Occurs in the triple helical domain at the Y position in the canonical Gly-X-Y repeat; although this variant may have an effect on normal protein folding and function, missense substitution at the Y position is not a common mechanism of disease (HGMD); Has not been previously published as pathogenic or benign to our knowledge

NM_000090.4(COL3A1):c.3055G>T (p.Asp1019Tyr)

Gene: COL3A1 (collagen type III alpha 1 chain; plus strand). Cytogenetic location: 2q32.2.
Variant type: single nucleotide variant.
Coding change: c.3055G>T on transcript NM_000090.4 (MANE Select); coding-DNA position 3055, G replaced by T.
Protein change: p.Asp1019Tyr; replaces aspartic acid 1019 with tyrosine.
Molecular consequence: missense variant.
Genome position (GRCh38, 1-based): chr2:189,006,221, G>T. VCF-style: chr2-189006221-G-T. GRCh37 (hg19) VCF-style: chr2-189870947-G-T.
Other names: short protein forms D1019Y.
Identifiers: ClinVar variation 3343674 (VCV003343674.1).
Genomic context (GRCh38, chr2:189,006,221, plus strand): 5'-GGAAGGTTTCAAGAAATTTTATTTCCTTTCTCATTTTTTAATCAGGGAAACCCTGGATCA[G>T]ATGGTCTTCCAGGCCGAGATGGATCTCCTGGTGGCAAGGTATAATAAACACATGTGCAAT-3'
Protein context (NP_000081.2, residues 1009-1029): EPGRDGNPGS[Asp1019Tyr]GLPGRDGSPG